The following is an entry in ClinVar:

ClinVar aggregate classification (germline): Pathogenic (1 of 4 stars; one submission).

gnomAD v4.1: 1 of 1,612,408 alleles (0.000062%); highest among the groups gnomAD compares: Non-Finnish European, 0.000085%; no homozygotes.

Submission:

GeneDx
Classification: Pathogenic. Last evaluated: 2018-07-11. Review status: criteria provided, single submitter. Criteria: GeneDx Variant Classification (06012015). Collection method: clinical testing. Allele origin: germline. Affected: yes.
Comment: The Y2208X nonsense variant in the ASPM gene is predicted to cause loss of normal protein function either through protein truncation or nonsense-mediated mRNA decay. The Y2208X variant is not observed in large population cohorts (Lek et al., 2016).

NM_018136.5(ASPM):c.6624C>A (p.Tyr2208Ter)

Gene: ASPM (assembly factor for spindle microtubules; minus strand). Cytogenetic location: 1q31.3.
Variant type: single nucleotide variant.
Coding change: c.6624C>A on transcript NM_018136.5 (MANE Select); coding-DNA position 6624, C replaced by A.
Protein change: p.Tyr2208Ter; replaces tyrosine 2208 with a stop codon.
Molecular consequence: nonsense. On other transcripts: intron variant (1).
Genome position (GRCh38, 1-based): chr1:197,102,627, G>T on the plus strand (C>A on the coding strand, the complement: ASPM is on the minus strand). VCF-style: chr1-197102627-G-T. GRCh37 (hg19) VCF-style: chr1-197071757-G-T.
Other names: c.4066-6463C>A (NM_001206846.2); short protein forms Y2208*.
Identifiers: ClinVar variation 620265 (VCV000620265.1), dbSNP rs1226333994, ClinGen allele CA344022360.